The following is an entry in ClinVar:

ClinVar aggregate classification (germline): Uncertain significance. Review status: criteria provided, multiple submitters, no conflicts (2 of 4 stars). 2 submissions from 2 submitters: Uncertain significance (2). Last evaluated 2025-06-17.

Conditions:
Familial hemiplegic migraine. Identifiers: MedGen C0338484, MONDO:0000700.

Submissions (2):

GeneDx
Classification: Uncertain significance. Last evaluated: 2025-06-17. Review status: criteria provided, single submitter. Criteria: GeneDx Variant Classification Process June 2021. Collection method: clinical testing. Allele origin: germline. Affected: yes.
Comment: Not observed at significant frequency in large population cohorts (gnomAD); In silico analysis supports that this missense variant has a deleterious effect on protein structure/function; Has not been previously published as pathogenic or benign to our knowledge; This variant is associated with the following publications: (PMID: 18184292)

Labcorp Genetics (formerly Invitae), Labcorp
Classification: Uncertain significance for Familial hemiplegic migraine. Last evaluated: 2023-05-11. Review status: criteria provided, single submitter. Criteria: Invitae Variant Classification Sherloc (09022015). Collection method: clinical testing. Allele origin: germline.
Comment: In summary, the available evidence is currently insufficient to determine the role of this variant in disease. Therefore, it has been classified as a Variant of Uncertain Significance. Advanced modeling of protein sequence and biophysical properties (such as structural, functional, and spatial information, amino acid conservation, physicochemical variation, residue mobility, and thermodynamic stability) performed at Invitae indicates that this missense variant is expected to disrupt ATP1A2 protein function. This variant has not been reported in the literature in individuals affected with ATP1A2-related conditions. This variant is not present in population databases (gnomAD no frequency). This sequence change replaces cysteine, which is neutral and slightly polar, with tyrosine, which is neutral and polar, at codon 354 of the ATP1A2 protein (p.Cys354Tyr).

NM_000702.4(ATP1A2):c.1061G>A (p.Cys354Tyr)

Gene: ATP1A2 (ATPase Na+/K+ transporting subunit alpha 2; plus strand). Cytogenetic location: 1q23.2.
Variant type: single nucleotide variant.
Coding change: c.1061G>A on transcript NM_000702.4 (MANE Select); coding-DNA position 1061, G replaced by A.
Protein change: p.Cys354Tyr; replaces cysteine 354 with tyrosine.
Molecular consequence: missense variant.
Genome position (GRCh38, 1-based): chr1:160,128,695, G>A. VCF-style: chr1-160128695-G-A. GRCh37 (hg19) VCF-style: chr1-160098485-G-A.
Other names: short protein forms C354Y.
Identifiers: ClinVar variation 3007327 (VCV003007327.5), dbSNP rs2524867821, ClinGen allele CA343239238.